The following is an entry in ClinVar:

ClinVar aggregate classification (germline): Likely benign. Review status: criteria provided, multiple submitters, no conflicts (2 of 4 stars). 3 submissions from 3 submitters: Likely benign (2). 1 of the submissions does not count toward it. Last evaluated 2025-11-20.

Conditions:
CELSR2-related disorder. Also called: CELSR2-related condition.

Allele frequency attached by ClinVar (database versions not stated): 1000 Genomes Project 30x 0.00109; 1000 Genomes Project 0.00120; ExAC 0.00292; gnomAD exomes 0.00304 and 0.00482; TOPMed 0.00339; gnomAD 0.00358 and 0.00366; ESP Exome Variant Server 0.00415.
gnomAD v4.1: 7,635 of 1,613,720 alleles (0.47%); highest among the groups gnomAD compares: Non-Finnish European, 0.58%; 36 homozygotes.

Submissions (3):

Labcorp Genetics (formerly Invitae), Labcorp
Classification: Likely benign. Last evaluated: 2025-11-20. Review status: criteria provided, single submitter. Criteria: Invitae Variant Classification Sherloc (09022015). Collection method: clinical testing. Allele origin: germline.

CeGaT Center for Human Genetics Tuebingen
Classification: Likely benign. Last evaluated: 2024-02-01. Review status: criteria provided, single submitter. Criteria: CeGaT Center For Human Genetics Tuebingen Variant Classification Criteria Version 2. Collection method: clinical testing. Allele origin: germline. Affected: yes. Observed: 7 variant alleles.
Comment: CELSR2: BP4, BS2

PreventionGenetics, part of Exact Sciences
Classification: Likely benign for CELSR2-related condition. Last evaluated: 2019-10-21. Review status: no assertion criteria provided. Collection method: clinical testing. Allele origin: germline. Not counted in ClinVar's aggregate classification.
Comment: This variant is classified as likely benign based on ACMG/AMP sequence variant interpretation guidelines (Richards et al. 2015 PMID: 25741868, with internal and published modifications).

NM_001408.3(CELSR2):c.376C>A (p.Gln126Lys)

Gene: CELSR2 (cadherin EGF LAG seven-pass G-type receptor 2; plus strand). Cytogenetic location: 1p13.3.
Variant type: single nucleotide variant.
Coding change: c.376C>A on transcript NM_001408.3 (MANE Select); coding-DNA position 376, C replaced by A.
Protein change: p.Gln126Lys; replaces glutamine 126 with lysine.
Molecular consequence: missense variant.
Genome position (GRCh38, 1-based): chr1:109,250,455, C>A. VCF-style: chr1-109250455-C-A. GRCh37 (hg19) VCF-style: chr1-109793077-C-A.
Other names: short protein forms Q126K.
Identifiers: ClinVar variation 782975 (VCV000782975.32), dbSNP rs62623708, ClinGen allele CA986377.